The following is an entry in ClinVar:

NM_001270.4(CHD1):c.2114C>G (p.Ser705Cys)

Gene: CHD1 (chromodomain helicase DNA binding protein 1; minus strand). Cytogenetic location: 5q15.
Variant type: single nucleotide variant.
Coding change: c.2114C>G on transcript NM_001270.4 (MANE Select); coding-DNA position 2114, C replaced by G.
Protein change: p.Ser705Cys; replaces serine 705 with cysteine.
Molecular consequence: missense variant. On other transcripts: non-coding transcript variant (2).
Genome position (GRCh38, 1-based): chr5:98,892,591, G>C on the plus strand (C>G on the coding strand, the complement: CHD1 is on the minus strand). VCF-style: chr5-98892591-G-C. GRCh37 (hg19) VCF-style: chr5-98228295-G-C.
Other names: c.2114C>G, p.Ser705Cys (NM_001364113.3, NM_001376194.2); short protein forms S705C.
Identifiers: ClinVar variation 5008019 (VCV005008019.1).

ClinVar aggregate classification (germline): Uncertain significance (1 of 4 stars; one submission).

Submission:

GeneDx
Classification: Uncertain significance. Last evaluated: 2026-02-25. Review status: criteria provided, single submitter. Criteria: GeneDx Variant Classification Process June 2021. Collection method: clinical testing. Allele origin: germline.
Comment: Not observed at significant frequency in large population cohorts (gnomAD); In silico analysis supports that this missense variant has a deleterious effect on protein structure/function; Has not been previously published as pathogenic or benign to our knowledge